The following is an entry in ClinVar:

ClinVar aggregate classification (germline): Uncertain significance (1 of 4 stars; one submission).

Conditions:
Hereditary cancer-predisposing syndrome. Also called: Neoplastic Syndromes, Hereditary; Tumor predisposition; Hereditary Cancer Syndrome; Hereditary neoplastic syndrome. Identifiers: Orphanet 140162, MedGen C0027672, MeSH D009386, MONDO:0015356.

Submission:

Ambry Genetics
Classification: Uncertain significance for Hereditary cancer-predisposing syndrome. Last evaluated: 2026-05-12. Review status: criteria provided, single submitter. Criteria: Ambry Variant Classification Scheme 2023. Collection method: clinical testing. Allele origin: germline.
Comment: The p.E1803A variant (also known as c.5408A>C), located in coding exon 24 of the DICER1 gene, results from an A to C substitution at nucleotide position 5408. The glutamic acid at codon 1803 is replaced by alanine, an amino acid with dissimilar properties. This amino acid position is highly conserved in available vertebrate species. In addition, the in silico prediction for this alteration is inconclusive. Based on the available evidence, the clinical significance of this variant remains unclear.

NM_177438.3(DICER1):c.5408A>C (p.Glu1803Ala)

Gene: DICER1 (dicer 1, ribonuclease III; minus strand). Cytogenetic location: 14q32.13.
Variant type: single nucleotide variant.
Coding change: c.5408A>C on transcript NM_177438.3 (MANE Select); coding-DNA position 5408, A replaced by C.
Protein change: p.Glu1803Ala; replaces glutamic acid 1803 with alanine.
Molecular consequence: missense variant. On other transcripts: non-coding transcript variant (6), intron variant (1).
Genome position (GRCh38, 1-based): chr14:95,091,322, T>G on the plus strand (A>C on the coding strand, the complement: DICER1 is on the minus strand). VCF-style: chr14-95091322-T-G. GRCh37 (hg19) VCF-style: chr14-95557659-T-G.
Other names: c.5408A>C, p.Glu1803Ala (NM_001271282.3, NM_001291628.2, NM_001395677.1 and 7 more transcripts); c.5126A>C, p.Glu1709Ala (NM_001395686.1); c.5003A>C, p.Glu1668Ala (NM_001395687.1, NM_001395688.1, NM_001395689.1 and 1 more transcripts); c.4841A>C, p.Glu1614Ala (NM_001395691.1); c.3725A>C, p.Glu1242Ala (NM_001395697.1); c.5365-213A>C (NM_001195573.1); short protein forms E1242A, E1614A, E1668A, E1709A, E1803A.
Identifiers: ClinVar variation 4869783 (VCV004869783.1).